The following is an entry in ClinVar:

ClinVar aggregate classification (germline): Uncertain significance. Review status: criteria provided, multiple submitters, no conflicts (2 of 4 stars). 2 submissions from 2 submitters: Uncertain significance (2). Last evaluated 2025-01-15.

Conditions:
Hereditary cancer-predisposing syndrome. Also called: Neoplastic Syndromes, Hereditary; Hereditary Cancer Syndrome; Tumor predisposition; Hereditary neoplastic syndrome. Identifiers: Orphanet 140162, MedGen C0027672, MeSH D009386, MONDO:0015356.
Neuroblastoma, susceptibility to, 3. Also called: ALK-Related Neuroblastic Tumor Susceptibility. Identifiers: Orphanet 635, MedGen C2751681, MONDO:0013083, OMIM 613014.

Allele frequency attached by ClinVar (database versions not stated): TOPMed below 0.00001; ExAC 0.00001.
gnomAD v4.1: 2 of 1,614,166 alleles (0.00012%); highest among the groups gnomAD compares: Admixed American, 0.0033%; no homozygotes.

Submissions (2):

Labcorp Genetics (formerly Invitae), Labcorp
Classification: Uncertain significance for Neuroblastoma, susceptibility to, 3. Last evaluated: 2025-01-15. Review status: criteria provided, single submitter. Criteria: Invitae Variant Classification Sherloc (09022015). Collection method: clinical testing. Allele origin: germline.
Comment: This sequence change replaces proline, which is neutral and non-polar, with serine, which is neutral and polar, at codon 1260 of the ALK protein (p.Pro1260Ser). This variant is present in population databases (rs766988856, gnomAD 0.006%). This variant has not been reported in the literature in individuals affected with ALK-related conditions. ClinVar contains an entry for this variant (Variation ID: 2566610). An algorithm developed to predict the effect of missense changes on protein structure and function outputs the following: PolyPhen-2: "Benign". The serine amino acid residue is found in multiple mammalian species, which suggests that this missense change does not adversely affect protein function. In summary, the available evidence is currently insufficient to determine the role of this variant in disease. Therefore, it has been classified as a Variant of Uncertain Significance.

Ambry Genetics
Classification: Uncertain significance for Hereditary cancer-predisposing syndrome. Last evaluated: 2023-06-08. Review status: criteria provided, single submitter. Criteria: Ambry Variant Classification Scheme 2023. Collection method: clinical testing. Allele origin: germline.
Comment: The p.P1260S variant (also known as c.3778C>T), located in coding exon 25 of the ALK gene, results from a C to T substitution at nucleotide position 3778. The proline at codon 1260 is replaced by serine, an amino acid with similar properties. This amino acid position is conserved. In addition, this alteration is predicted to be tolerated by in silico analysis. Since supporting evidence is limited at this time, the clinical significance of this alteration remains unclear.

NM_004304.5(ALK):c.3778C>T (p.Pro1260Ser)

Gene: ALK (ALK receptor tyrosine kinase; minus strand). Cytogenetic location: 2p23.2.
Variant type: single nucleotide variant.
Coding change: c.3778C>T on transcript NM_004304.5 (MANE Select); coding-DNA position 3778, C replaced by T.
Protein change: p.Pro1260Ser; replaces proline 1260 with serine.
Molecular consequence: missense variant.
Genome position (GRCh38, 1-based): chr2:29,209,844, G>A on the plus strand (C>T on the coding strand, the complement: ALK is on the minus strand). VCF-style: chr2-29209844-G-A. GRCh37 (hg19) VCF-style: chr2-29432710-G-A.
Other names: c.574C>T, p.Pro192Ser (NM_001353765.2); short protein forms P1260S, P192S.
Identifiers: ClinVar variation 2566610 (VCV002566610.5), dbSNP rs766988856, ClinGen allele CA1593784.